The following is an entry in ClinVar:

NM_001370259.2(MEN1):c.515A>T (p.Asp172Val)

Gene: MEN1 (menin 1; minus strand). Cytogenetic location: 11q13.1.
Variant type: single nucleotide variant.
Coding change: c.515A>T on transcript NM_001370259.2 (MANE Select); coding-DNA position 515, A replaced by T.
Protein change: p.Asp172Val; replaces aspartic acid 172 with valine.
Molecular consequence: missense variant.
Genome position (GRCh38, 1-based): chr11:64,808,030, T>A on the plus strand (A>T on the coding strand, the complement: MEN1 is on the minus strand). VCF-style: chr11-64808030-T-A. GRCh37 (hg19) VCF-style: chr11-64575502-T-A.
Other names: p.D172V:GAT>GTT; c.530A>T, p.Asp177Val (NM_000244.4, NM_130800.3, NM_130801.3 and 3 more transcripts); c.515A>T, p.Asp172Val (NM_001370251.2, NM_001370260.2, NM_001370261.2 and 3 more transcripts); short protein forms D172V, D177V.
Identifiers: ClinVar variation 200973 (VCV000200973.7), dbSNP rs794728618, ClinGen allele CA009460.

ClinVar aggregate classification (germline): Likely pathogenic. Review status: criteria provided, multiple submitters, no conflicts (2 of 4 stars). 2 submissions from 2 submitters: Likely pathogenic (2). Last evaluated 2017-04-14.

Conditions:
Hereditary cancer-predisposing syndrome. Also called: Neoplastic Syndromes, Hereditary; Hereditary Cancer Syndrome; Hereditary neoplastic syndrome; Tumor predisposition. Identifiers: Orphanet 140162, MedGen C0027672, MeSH D009386, MONDO:0015356.

gnomAD v4.1: 1 of 1,613,990 alleles (0.000062%); no homozygotes.

Submissions (2):

Ambry Genetics
Classification: Likely pathogenic for Hereditary cancer-predisposing syndrome. Last evaluated: 2017-04-14. Review status: criteria provided, single submitter. Criteria: Ambry Variant Classification Scheme 2023. Collection method: clinical testing. Allele origin: germline.
Comment: The p.D172V variant (also known as c.515A>T), located in coding exon 2 of the MEN1 gene, results from an A to T substitution at nucleotide position 515. The aspartic acid at codon 172 is replaced by valine, an amino acid with highly dissimilar properties. This amino acid position is highly conserved in available vertebrate species. In addition, this alteration is predicted to be deleterious by in silico analysis. This variant has been detected in multiple individuals whose personal and familial clinical histories are consistent with MEN1 (Ambry internal data). In addition, this alteration is expected to have the same destabilization energy as MEN1 p.D172Y, another substitution at the same amino acid position (Ambry internal data). p.D172Y has been identified in multiple patients diagnosed with sporadic or familial MEN1 (Giraud, S et al. Am J Hum Genet. 1998 Aug;63(2):455-67; Poncin, J et al. Hum Mutat. 1999;13(1):54-60; Verges, B et al. J Clin Endocrinol Metab. 2002 Feb;87(2):457-65; Wautot, V et al. Hum Mutat. 2002 Jul;20(1):35-47; Fujii, T et al. Pathol Int. 1999 Nov;49(11):968-73). Based on the majority of available evidence to date, this variant is likely to be pathogenic.

GeneDx
Classification: Likely pathogenic. Last evaluated: 2016-06-29. Review status: criteria provided, single submitter. Criteria: GeneDx Variant Classification (06012015). Collection method: clinical testing. Allele origin: germline. Affected: yes.
Comment: The D172V mutation has not been published as a germline mutation, nor has it been reported as a benign polymorphism to our knowledge. It has been published as a somatic mutation in a neuroendocrine lung tumor (Gortz et al., 1999). Another germline mutation as this same position (D172Y) has also been published in association with MEN1 (Giraud et al., 1998). D172V is a non-conservative amino acid substitution as a negatively-charged Aspartic Acid is replaced with a neutral Valine residue at a position that is highly conserved across species. Furthermore, the NHLBI ESP Exome Variant Server reports D172V was not observed in approximately 6,000 samples from individuals of European and African American backgrounds, indicating it is not a common benign variant in these populations.

Literature cited by the submitters: PubMed 10027401 (cited by Ambry Genetics); PubMed 10594843 (cited by Ambry Genetics); PubMed 11836268 (cited by Ambry Genetics); PubMed 12112656 (cited by Ambry Genetics); PubMed 9683585 (cited by Ambry Genetics); PubMed 9888389 (cited by Ambry Genetics).